The following is an entry in ClinVar:

NM_032242.4(PLXNA1):c.1510G>A (p.Glu504Lys)

Gene: PLXNA1 (plexin A1; plus strand). Cytogenetic location: 3q21.3.
Variant type: single nucleotide variant.
Coding change: c.1510G>A on transcript NM_032242.4 (MANE Select); coding-DNA position 1510, G replaced by A.
Protein change: p.Glu504Lys; replaces glutamic acid 504 with lysine.
Molecular consequence: missense variant.
Genome position (GRCh38, 1-based): chr3:127,003,462, G>A. VCF-style: chr3-127003462-G-A. GRCh37 (hg19) VCF-style: chr3-126722305-G-A.
Other names: c.1510G>A (NM_032242.3); short protein forms E504K.
Identifiers: ClinVar variation 1666501 (VCV001666501.10), dbSNP rs138997671, ClinGen allele CA2593263.
Genomic context (GRCh38, chr3:127,003,462, plus strand): 5'-AGCCCCATCCTGCGAGACCTCGTCCTCAGCCCCAACCACCAGTACCTCTACGCCATGACC[G>A]AGAAGCAGGTGGGTGCTGCACCAGTCAGACGGTGTGGCTGAAGGTGGGGGCCCTCCTACC-3'
Protein context (NP_115618.3, residues 494-514): PNHQYLYAMT[Glu504Lys]KQVTRVPVES

ClinVar aggregate classification (germline): Likely benign. Review status: criteria provided, single submitter (1 of 4 stars). 2 submissions from 2 submitters: Likely benign (1). 1 of the submissions does not count toward it. Last evaluated 2025-10-28.

Conditions:
PLXNA1-related disorder. Also called: PLXNA1-related condition.

Allele frequency attached by ClinVar (database versions not stated): 1000 Genomes Project 0.00060; 1000 Genomes Project 30x 0.00062; gnomAD 0.00111 and 0.00115; TOPMed 0.00115; gnomAD exomes 0.00129 and 0.00227; ESP Exome Variant Server 0.00131; ExAC 0.00134.
gnomAD v4.1: 3,406 of 1,608,640 alleles (0.21%); highest among the groups gnomAD compares: Non-Finnish European, 0.27%; 4 homozygotes.

Submissions (2):

Labcorp Genetics (formerly Invitae), Labcorp
Classification: Likely benign. Last evaluated: 2025-10-28. Review status: criteria provided, single submitter. Criteria: Invitae Variant Classification Sherloc (09022015). Collection method: clinical testing. Allele origin: germline.

PreventionGenetics, part of Exact Sciences
Classification: Likely benign for PLXNA1-related condition. Last evaluated: 2022-01-25. Review status: no assertion criteria provided. Collection method: clinical testing. Allele origin: germline. Not counted in ClinVar's aggregate classification.
Comment: This variant is classified as likely benign based on ACMG/AMP sequence variant interpretation guidelines (Richards et al. 2015 PMID: 25741868, with internal and published modifications).